The following is an entry in ClinVar:

NM_000548.5(TSC2):c.587C>A (p.Ala196Glu)

Gene: TSC2 (TSC complex subunit 2; plus strand). Cytogenetic location: 16p13.3.
Variant type: single nucleotide variant.
Coding change: c.587C>A on transcript NM_000548.5 (MANE Select); coding-DNA position 587, C replaced by A.
Protein change: p.Ala196Glu; replaces alanine 196 with glutamic acid.
Molecular consequence: missense variant. On other transcripts: 5 prime UTR variant (13), non-coding transcript variant (5), intron variant (6).
Genome position (GRCh38, 1-based): chr16:2,055,507, C>A. VCF-style: chr16-2055507-C-A. GRCh37 (hg19) VCF-style: chr16-2105508-C-A.
Other names: c.587C>A, p.Ala196Glu (NM_001077183.3, NM_001114382.3, NM_001363528.2 and 8 more transcripts); c.476C>A, p.Ala159Glu (NM_001318827.2, NM_001406670.1, NM_001406678.1); c.440C>A, p.Ala147Glu (NM_001318829.2, NM_001406675.1, NM_001406676.1 and 1 more transcripts); c.620C>A, p.Ala207Glu (NM_001318832.2); c.677C>A, p.Ala226Glu (NM_001406667.1, NM_001406668.1); c.530C>A, p.Ala177Glu (NM_001406677.1); c.-230C>A (NM_001406680.1, NM_001406683.1, NM_001406687.1); c.125C>A, p.Ala42Glu (NM_001406681.1); and 6 more; short protein forms A147E, A177E, A226E, A196E, A159E, A42E, A207E.
Identifiers: ClinVar variation 3974691 (VCV003974691.1).

ClinVar aggregate classification (germline): Uncertain significance (1 of 4 stars; one submission).

Conditions:
Hereditary cancer-predisposing syndrome. Also called: Tumor predisposition; Hereditary neoplastic syndrome; Hereditary Cancer Syndrome; Neoplastic Syndromes, Hereditary. Identifiers: Orphanet 140162, MedGen C0027672, MeSH D009386, MONDO:0015356.

Submission:

Ambry Genetics
Classification: Uncertain significance for Hereditary cancer-predisposing syndrome. Last evaluated: 2025-05-23. Review status: criteria provided, single submitter. Criteria: Ambry Variant Classification Scheme 2023. Collection method: clinical testing. Allele origin: germline.
Comment: The p.A196E variant (also known as c.587C>A), located in coding exon 5 of the TSC2 gene, results from a C to A substitution at nucleotide position 587. The alanine at codon 196 is replaced by glutamic acid, an amino acid with dissimilar properties. This amino acid position is conserved. In addition, this alteration is predicted to be deleterious by in silico analysis. Based on the available evidence, the clinical significance of this variant remains unclear.